The following is an entry in ClinVar:

ClinVar aggregate classification (germline): Uncertain significance (1 of 4 stars; one submission).

Conditions:
Sulfite oxidase deficiency due to molybdenum cofactor deficiency type A. Also called: Molybdenum Cofactor Deficiency A; Molybdenum cofactor deficiency, complementation group A. Identifiers: Orphanet 308386, Orphanet 833, MedGen C1854988, MONDO:0009643, OMIM 252150.

Allele frequency attached by ClinVar (database versions not stated): gnomAD exomes below 0.00001.

Submission:

Labcorp Genetics (formerly Invitae), Labcorp
Classification: Uncertain significance for Sulfite oxidase deficiency due to molybdenum cofactor deficiency type A. Last evaluated: 2022-04-06. Review status: criteria provided, single submitter. Criteria: Invitae Variant Classification Sherloc (09022015). Collection method: clinical testing. Allele origin: germline.
Comment: In summary, the available evidence is currently insufficient to determine the role of this variant in disease. Therefore, it has been classified as a Variant of Uncertain Significance. Experimental studies and prediction algorithms are not available or were not evaluated, and the effect of this variant on mRNA splicing is currently unknown. This variant has not been reported in the literature in individuals affected with MOCS1-related conditions. This variant is present in population databases (no rsID available, gnomAD 0.003%). This sequence change affects codon 559 of the MOCS1 mRNA. It is a 'silent' change, meaning that it does not change the encoded amino acid sequence of the MOCS1 protein.

NM_001358530.2(MOCS1):c.1677G>C (p.Leu559=)

Gene: MOCS1 (molybdenum cofactor synthesis 1; minus strand). Cytogenetic location: 6p21.2.
Variant type: single nucleotide variant.
Coding change: c.1677G>C on transcript NM_001358530.2 (MANE Select); coding-DNA position 1677, G replaced by C.
Protein change: p.Leu559=; no amino-acid change (leucine 559 retained).
Molecular consequence: synonymous variant. On other transcripts: 3 prime UTR variant (4), non-coding transcript variant (1).
Genome position (GRCh38, 1-based): chr6:39,906,591, C>G on the plus strand (G>C on the coding strand, the complement: MOCS1 is on the minus strand). VCF-style: chr6-39906591-C-G. GRCh37 (hg19) VCF-style: chr6-39874367-C-G.
Other names: c.*534G>C (NM_001075098.4, NM_001358533.2, NM_001358534.2 and 1 more transcripts); c.1629G>C, p.Leu543= (NM_001358529.2); c.1416G>C, p.Leu472= (NM_001358531.2).
Identifiers: ClinVar variation 2101663 (VCV002101663.4), dbSNP rs1248939938, ClinGen allele CA566886757.